The following is an entry in ClinVar:

ClinVar aggregate classification (germline): Likely pathogenic. Review status: criteria provided, multiple submitters, no conflicts (2 of 4 stars). 2 submissions from 2 submitters: Likely pathogenic (2). Last evaluated 2024-05-17.

Conditions:
Intellectual developmental disorder, autosomal recessive 3. Also called: Intellectual disability, autosomal recessive 3. Identifiers: Orphanet 88616, MedGen C1838023, MONDO:0012037, OMIM 608443.

gnomAD v4.1: 3 of 1,536,154 alleles (0.0002%); highest among the groups gnomAD compares: Non-Finnish European, 0.00026%; no homozygotes.

Submissions (2):

Fulgent Genetics
Classification: Likely pathogenic for Intellectual developmental disorder, autosomal recessive 3. Last evaluated: 2024-05-17. Review status: criteria provided, single submitter. Criteria: ACMG Guidelines, 2015. Collection method: clinical testing. Allele origin: germline.

Labcorp Genetics (formerly Invitae), Labcorp
Classification: Likely pathogenic. Last evaluated: 2023-03-19. Review status: criteria provided, single submitter. Criteria: Invitae Variant Classification Sherloc (09022015). Collection method: clinical testing. Allele origin: germline.
Comment: This sequence change affects a donor splice site in intron 26 of the CC2D1A gene. It is expected to disrupt RNA splicing. Variants that disrupt the donor or acceptor splice site typically lead to a loss of protein function (PMID: 16199547), and loss-of-function variants in CC2D1A are known to be pathogenic (PMID: 16033914). This variant is not present in population databases (gnomAD no frequency). This variant has not been reported in the literature in individuals affected with CC2D1A-related conditions. In summary, the currently available evidence indicates that the variant is pathogenic, but additional data are needed to prove that conclusively. Therefore, this variant has been classified as Likely Pathogenic.

Literature cited by the submitters: PubMed 16199547 (cited by Labcorp Genetics (formerly Invitae), Labcorp); PubMed 16033914 (cited by Labcorp Genetics (formerly Invitae), Labcorp).

NM_017721.5(CC2D1A):c.2710+1G>A

Gene: CC2D1A (coiled-coil and C2 domain containing 1A; plus strand). Cytogenetic location: 19p13.12.
Variant type: single nucleotide variant.
Coding change: c.2710+1G>A on transcript NM_017721.5 (MANE Select); the canonical splice donor site of the intron after coding-DNA position 2710, G replaced by A.
Molecular consequence: splice donor variant.
Genome position (GRCh38, 1-based): chr19:13,929,661, G>A. VCF-style: chr19-13929661-G-A. GRCh37 (hg19) VCF-style: chr19-14040474-G-A.
Other names: c.2707+1G>A (NM_001411138.1).
Identifiers: ClinVar variation 2991173 (VCV002991173.4), dbSNP rs2513147217, ClinGen allele CA404401773.